The following is an entry in ClinVar:

ClinVar aggregate classification (germline): Pathogenic/Likely pathogenic. Review status: criteria provided, multiple submitters, no conflicts (2 of 4 stars). 2 submissions from 2 submitters: Pathogenic (1); Likely pathogenic (1). Last evaluated 2026-07-16.

Conditions:
LAMA2-related muscular dystrophy (LAMA2-RD). Also called: Laminin alpha 2-related dystrophy. Identifiers: MedGen C5679788, MONDO:0100228.

Submissions (2):

GeneDx
Classification: Pathogenic. Last evaluated: 2026-07-16. Review status: criteria provided, single submitter. Criteria: GeneDx Variant Classification Process June 2021. Collection method: clinical testing. Allele origin: germline.
Comment: Canonical splice site variant predicted to result in an in-frame loss of the adjacent exon in a gene for which loss of function is a known mechanism of disease; Deletions involving coding exons of this gene are a known mechanism of disease (HGMD; other references); Not observed at significant frequency in large population cohorts (gnomAD); Has not been previously published as pathogenic or benign to our knowledge

Labcorp Genetics (formerly Invitae), Labcorp
Classification: Likely pathogenic for LAMA2-related muscular dystrophy. Last evaluated: 2022-07-11. Review status: criteria provided, single submitter. Criteria: Invitae Variant Classification Sherloc (09022015). Collection method: clinical testing. Allele origin: germline.
Comment: In summary, the currently available evidence indicates that the variant is pathogenic, but additional data are needed to prove that conclusively. Therefore, this variant has been classified as Likely Pathogenic. Algorithms developed to predict the effect of sequence changes on RNA splicing suggest that this variant may disrupt the consensus splice site. ClinVar contains an entry for this variant (Variation ID: 1493604). This variant has not been reported in the literature in individuals affected with LAMA2-related conditions. This variant is not present in population databases (gnomAD no frequency). This sequence change affects a donor splice site in intron 13 of the LAMA2 gene. It is expected to disrupt RNA splicing. Variants that disrupt the donor or acceptor splice site typically lead to a loss of protein function (PMID: 16199547), and loss-of-function variants in LAMA2 are known to be pathogenic (PMID: 18700894, 32904964).

Literature cited by the submitters: PubMed 16199547 (cited by Labcorp Genetics (formerly Invitae), Labcorp); PubMed 18700894 (cited by Labcorp Genetics (formerly Invitae), Labcorp); PubMed 32904964 (cited by Labcorp Genetics (formerly Invitae), Labcorp).

NM_000426.4(LAMA2):c.1884+1G>A

Gene: LAMA2 (laminin subunit alpha 2; plus strand). Cytogenetic location: 6q22.33.
Variant type: single nucleotide variant.
Coding change: c.1884+1G>A on transcript NM_000426.4 (MANE Select); the canonical splice donor site of the intron after coding-DNA position 1884, G replaced by A.
Molecular consequence: splice donor variant.
Genome position (GRCh38, 1-based): chr6:129,250,214, G>A. VCF-style: chr6-129250214-G-A. GRCh37 (hg19) VCF-style: chr6-129571359-G-A.
Other names: c.1884+1G>A (NM_001079823.2).
Identifiers: ClinVar variation 1493604 (VCV001493604.10), dbSNP rs2114276718, ClinGen allele CA365609683.